The following is an entry in ClinVar:

NM_001040108.2(MLH3):c.990del (p.Gln331fs)

Gene: MLH3 (mutL homolog 3; minus strand). Cytogenetic location: 14q24.3.
Variant type: Deletion.
Coding change: c.990del on transcript NM_001040108.2 (MANE Select); coding-DNA position 990, one base deleted (T; older notation c.990delT).
Protein change: p.Gln331fs; shifts the reading frame from glutamine 331.
Molecular consequence: frameshift variant.
Genome position (GRCh38, 1-based): chr14:75,048,666, A deleted on the plus strand (T on the coding strand, the reverse complement: MLH3 is on the minus strand); the first of 3 consecutive A bases (chr14:75,048,666-75,048,668); deleting any one gives the same sequence. VCF-style (leftmost placement, unchanged base first): chr14-75048665-GA-G. GRCh37 (hg19) VCF-style: chr14-75515368-GA-G.
Other names: c.990delT (NM_001040108.1); c.990del, p.Gln331fs (NM_014381.3); short protein forms Q331fs.
Identifiers: ClinVar variation 4844311 (VCV004844311.3).

ClinVar aggregate classification (germline): Pathogenic. Review status: criteria provided, multiple submitters, no conflicts (2 of 4 stars). 2 submissions from 2 submitters: Pathogenic (2). Last evaluated 2026-09-24.

Conditions:
Colorectal cancer, hereditary nonpolyposis, type 7. Identifiers: Orphanet 144, MedGen C1858380, MONDO:0013725, OMIM 614385.

Submissions (2):

Myriad Genetics, Inc.
Classification: Pathogenic for Colorectal cancer, hereditary nonpolyposis, type 7. Last evaluated: 2026-09-24. Review status: criteria provided, single submitter. Criteria: Myriad Autosomal Dominant, Autosomal Recessive and X-Linked Classification Criteria (2023). Collection method: clinical testing. Allele origin: unknown.
Comment: This variant is considered pathogenic. This variant creates a frameshift predicted to result in premature protein truncation.

Ambry Genetics
Classification: Pathogenic. Last evaluated: 2026-05-28. Review status: criteria provided, single submitter. Criteria: Ambry Variant Classification Scheme 2023. Collection method: clinical testing. Allele origin: germline.
Comment: The c.990delT pathogenic mutation, located in coding exon 1 of the MLH3 gene, results from a deletion of one nucleotide at nucleotide position 990, causing a translational frameshift with a predicted alternate stop codon (p.Q331Rfs*14). This variant is considered to be rare based on population cohorts in the Genome Aggregation Database (gnomAD). This alteration is expected to result in loss of function by premature protein truncation or nonsense-mediated mRNA decay. As such, this alteration is interpreted as a disease-causing mutation.